The following is an entry in ClinVar:

NM_000297.4(PKD2):c.1168G>A (p.Gly390Ser)

Gene: PKD2 (polycystin 2, transient receptor potential cation channel; plus strand). Cytogenetic location: 4q22.1.
Variant type: single nucleotide variant.
Coding change: c.1168G>A on transcript NM_000297.4 (MANE Select); coding-DNA position 1168, G replaced by A.
Protein change: p.Gly390Ser; replaces glycine 390 with serine.
Molecular consequence: missense variant. On other transcripts: non-coding transcript variant (1).
Genome position (GRCh38, 1-based): chr4:88,043,306, G>A. VCF-style: chr4-88043306-G-A. GRCh37 (hg19) VCF-style: chr4-88964458-G-A.
Other names: short protein forms G390S.
Identifiers: ClinVar variation 811945 (VCV000811945.8), dbSNP rs1578133666, ClinGen allele CA357615556.

ClinVar aggregate classification (germline): Uncertain significance (1 of 4 stars; one submission).

Conditions:
Polycystic kidney disease 2 (PKD2). Also called: POLYCYSTIC KIDNEY DISEASE 2 WITH OR WITHOUT POLYCYSTIC LIVER DISEASE; Polycystic Kidney Disease 2, Autosomal Dominant; POLYCYSTIC KIDNEY DISEASE, ADULT, TYPE II. Identifiers: MedGen C2751306, MONDO:0013131, OMIM 613095.

Submission:

ARUP Laboratories, Molecular Genetics and Genomics, ARUP Laboratories
Classification: Uncertain significance for Polycystic kidney disease 2. Last evaluated: 2019-03-15. Review status: criteria provided, single submitter. Criteria: ARUP Molecular Germline Variant Investigation Process. Collection method: clinical testing. Allele origin: germline.
Comment: The PKD2 c.1168G>A; p.Gly390Ser variant is reported in the literature in a cohort of individuals affected with autosomal dominant polycystic kidney disease (ADPKD) (Zhang 2004). This variant is absent from general population databases (Exome Variant Server, Genome Aggregation Database), indicating it is not a common polymorphism. The glycine at codon 390 is highly conserved, it occurs in the functionally important TOP domain that regulates channel activity (Grieben 2017), and computational analyses (SIFT, PolyPhen-2) predict that this variant is deleterious. Additionally, another amino acid substitution at this codon (p.Gly390Val) has been reported in an individual with ADPKD and was considered pathogenic, although it is unclear how this classification was determined (Robinson 2012). While existing evidence indicates the p.Gly390Ser variant may be disease-causing, due to a lack of clinical and functional data, its clinical significance remains uncertain at this time. References: Grieben M et al. Structure of the polycystic kidney disease TRP channel Polycystin-2 (PC2). Nat Struct Mol Biol. 2017 Feb;24(2):114-122. Robinson C et al. Clinical utility of PKD2 mutation testing in a polycystic kidney disease cohort attending a specialist nephrology out-patient clinic. BMC Nephrol. 2012 Aug 3;13:79. Zhang DY et al. Mutation detection of PKD2 gene in Chinese by denaturing high-performance liquid chromatograph. Zhonghua Yi Xue Yi Chuan Xue Za Zhi. 2004 Jun;21(3):211-4.